The following is an entry in ClinVar:

NM_000384.3(APOB):c.10724G>A (p.Gly3575Asp)

Gene: APOB (apolipoprotein B; minus strand). Cytogenetic location: 2p24.1.
Variant type: single nucleotide variant.
Coding change: c.10724G>A on transcript NM_000384.3 (MANE Select); coding-DNA position 10724, G replaced by A.
Protein change: p.Gly3575Asp; replaces glycine 3575 with aspartic acid.
Molecular consequence: missense variant.
Genome position (GRCh38, 1-based): chr2:21,006,144, C>T on the plus strand (G>A on the coding strand, the complement: APOB is on the minus strand). VCF-style: chr2-21006144-C-T. GRCh37 (hg19) VCF-style: chr2-21229016-C-T.
Other names: short protein forms G3575D.
Identifiers: ClinVar variation 440519 (VCV000440519.11), dbSNP rs1418775778, ClinGen allele CA345985258.

ClinVar aggregate classification (germline): Uncertain significance. Review status: criteria provided, multiple submitters, no conflicts (2 of 4 stars). 5 submissions from 5 submitters: Uncertain significance (4). 1 of the submissions does not count toward it. Last evaluated 2024-04-04.

Conditions:
Cardiovascular phenotype. Identifiers: MedGen CN230736.
Hypercholesterolemia, autosomal dominant, type B (FHCL2). Also called: HYPERCHOLESTEROLEMIA, FAMILIAL, DUE TO LIGAND-DEFECTIVE APOLIPOPROTEIN B; Familial Hypercholesterolemia Type B; APOLIPOPROTEIN B-100, FAMILIAL DEFECTIVE; APOLIPOPROTEIN B-100, FAMILIAL LIGAND-DEFECTIVE; Familial hypercholesterolemia 2; APOB-Related Familial Hypercholesterolemia, Autosomal Dominant. Identifiers: MedGen C1704417, MONDO:0007751, OMIM 144010.
Familial hypobetalipoproteinemia 1. Also called: APOB-Related Familial Hypobetalipoproteinemia; Hypobetalipoproteinemia, normotriglyceridemic; Acanthocytosis with hypobetalipoproteinemia. Identifiers: MedGen C4551990, MONDO:0014252, OMIM 615558.
Hypercholesterolemia, familial, 1. Also called: LDL RECEPTOR DISORDER; Hyperlipoproteinemia Type IIa; HYPER-LOW-DENSITY-LIPOPROTEINEMIA; HYPERCHOLESTEROLEMIC XANTHOMATOSIS, FAMILIAL; Fredrickson type IIa hyperlipoproteinemia; Hyperlipoproteinemia type 2. Identifiers: Orphanet 391665, MedGen C0745103, MONDO:0007750, OMIM 143890.

Allele frequency attached by ClinVar (database versions not stated): TOPMed 0.00001.
gnomAD v4.1: 5 of 1,613,956 alleles (0.00031%); highest among the groups gnomAD compares: South Asian, 0.0011%; no homozygotes.

Submissions (5):

Ambry Genetics
Classification: Uncertain significance for Cardiovascular phenotype. Last evaluated: 2024-04-04. Review status: criteria provided, single submitter. Criteria: Ambry Variant Classification Scheme 2023. Collection method: clinical testing. Allele origin: germline.
Comment: The p.G3575D variant (also known as c.10724G>A), located in coding exon 26 of the APOB gene, results from a G to A substitution at nucleotide position 10724. The glycine at codon 3575 is replaced by aspartic acid, an amino acid with similar properties. This amino acid position is not well conserved in available vertebrate species, and aspartic acid is the reference amino acid in other vertebrate species. In addition, this alteration is predicted to be tolerated by in silico analysis. Since supporting evidence is limited at this time, the clinical significance of this alteration remains unclear.

Labcorp Genetics (formerly Invitae), Labcorp
Classification: Uncertain significance for Familial hypobetalipoproteinemia 1; Hypercholesterolemia, autosomal dominant, type B. Last evaluated: 2022-12-21. Review status: criteria provided, single submitter. Criteria: Invitae Variant Classification Sherloc (09022015). Collection method: clinical testing. Allele origin: germline.
Comment: In summary, the available evidence is currently insufficient to determine the role of this variant in disease. Therefore, it has been classified as a Variant of Uncertain Significance. Advanced modeling of protein sequence and biophysical properties (such as structural, functional, and spatial information, amino acid conservation, physicochemical variation, residue mobility, and thermodynamic stability) performed at Invitae indicates that this missense variant is not expected to disrupt APOB protein function. ClinVar contains an entry for this variant (Variation ID: 440519). This variant has not been reported in the literature in individuals affected with APOB-related conditions. This variant is not present in population databases (gnomAD no frequency). This sequence change replaces glycine, which is neutral and non-polar, with aspartic acid, which is acidic and polar, at codon 3575 of the APOB protein (p.Gly3575Asp).

Fulgent Genetics
Classification: Uncertain significance for Hypercholesterolemia, autosomal dominant, type B; Familial hypobetalipoproteinemia 1. Last evaluated: 2021-08-10. Review status: criteria provided, single submitter. Criteria: ACMG Guidelines, 2015. Collection method: clinical testing. Allele origin: unknown.

New York Genome Center
Classification: Uncertain significance for Hypercholesterolemia, autosomal dominant, type B; Familial hypobetalipoproteinemia 1. Last evaluated: 2021-07-14. Review status: criteria provided, single submitter. Criteria: NYGC Assertion Criteria 2020. Collection method: clinical testing. Allele origin: germline. Observed: 1 variant allele.
Comment: The c.10724G>A (p.Gly3575Asp) variant identified in the APOB gene substitutes a moderately conserved Glycine for Aspartic Acid at amino acid3575/4564 (exon 26/29). This variant is absent from gnomAD(v3.1.1) suggesting it is not a common benign variant in the populations represented in that database. In silico algorithms predict this variant to be Tolerated (SIFT; score:0.268) and Benign (REVEL; score:0.09) to the function of the canonical transcript. This variant is reported as both Pathogenic and as a Variant of Uncertain Significance in ClinVar (VarID:440519), and to our current knowledge has not been reported in affectedindividuals in the literature. The p.Gly3575 residue is not within a mapped domain of APOB (UniProtKB:P04114). Given the lack of compelling evidence for its pathogenicity, the c.10724G>A (p.Gly3575Asp) variant identified in the APOB gene is reported as a Variant of Uncertain Significance

Laboratorium voor Moleculaire Diagnostiek Experimentele Vasculaire Geneeskunde, Academisch Medisch Centrum
Classification: Pathogenic for Familial hypercholesterolemia. Review status: no assertion criteria provided. Collection method: research. Allele origin: germline. Not counted in ClinVar's aggregate classification.